The following is an entry in ClinVar:

ClinVar aggregate classification (germline): Pathogenic. Review status: criteria provided, single submitter (1 of 4 stars). 2 submissions from 2 submitters: Pathogenic (1). 1 of the submissions does not count toward it. Last evaluated 2023-12-01.

Conditions:
Hereditary cancer-predisposing syndrome. Also called: Tumor predisposition; Hereditary neoplastic syndrome; Hereditary Cancer Syndrome; Neoplastic Syndromes, Hereditary. Identifiers: Orphanet 140162, MedGen C0027672, MeSH D009386, MONDO:0015356.
Pheochromocytoma/paraganglioma syndrome 1. Also called: PARAGANGLIOMATA; PARAGANGLIOMAS, FAMILIAL NONCHROMAFFIN, 1; PGL 1; Paragangliomas familial 1; Paraganglioma - glomus jugulare; SDHD-Related Hereditary Paraganglioma-Pheochromocytoma Syndrome. Identifiers: Orphanet 29072, MedGen C3494181, MONDO:0008192, OMIM 168000.

Submissions (2):

Ambry Genetics
Classification: Pathogenic for Hereditary cancer-predisposing syndrome. Last evaluated: 2023-12-01. Review status: criteria provided, single submitter. Criteria: Ambry Variant Classification Scheme 2023. Collection method: clinical testing. Allele origin: germline.
Comment: The c.278_280delATT pathogenic mutation (also known as p.Y93del) is located in coding exon 3 of the SDHD gene. This pathogenic mutation results from an in-frame ATT deletion at nucleotide positions 278 to 280. This results in the in-frame deletion of a tyrosine at codon 93. This alteration has been observed in multiple individuals with a personal and/or family history that is consistent with SDHD-related disease (Chen H et al. J Cancer Res Clin Oncol, 2017 Jun;143:953-960; Shi C et al. J Endocr Soc, 2023 Aug;7:bvad093; Ambry internal data). Another alteration at the same codon, c.276_278del (p.Y93del), has also been detected in individuals diagnosed with paragangliomas (Badenhop RF et al. Genes Chromosomes Cancer, 2001 Jul;31:255-63; Andrews KA et al. J Med Genet, 2018 06;55:384-394). Based on internal structural analysis, this alteration is more destabilizing to SDHD than several internally pathogenic variants at the same position and nearby (Ambry internal data, Zhou Q et al. Protein Cell, 2011 Jul;2:531-42). This amino acid position is highly conserved in available vertebrate species. In addition, this alteration is predicted to be deleterious by in silico analysis (Choi Y et al. PLoS ONE. 2012; 7(10):e46688). This variant is considered to be rare based on population cohorts in the Genome Aggregation Database (gnomAD). Based on the supporting evidence, this alteration is interpreted as a disease-causing mutation.

OMIM
Classification: Pathogenic for PHEOCHROMOCYTOMA/PARAGANGLIOMA SYNDROME 1. Last evaluated: 2001-07-01. Review status: no assertion criteria provided. Collection method: literature only. Allele origin: germline. Not counted in ClinVar's aggregate classification.

Literature cited by the submitters: PubMed 11391796 (cited by Ambry Genetics and OMIM); PubMed 21822798 (cited by Ambry Genetics); PubMed 28255624 (cited by Ambry Genetics); PubMed 29386252 (cited by Ambry Genetics); PubMed 37873498 (cited by Ambry Genetics).

NM_003002.4(SDHD):c.278_280del (p.Tyr93del)

Gene: SDHD (succinate dehydrogenase complex subunit D; plus strand). Cytogenetic location: 11q23.1.
Variant type: Deletion.
Coding change: c.278_280del on transcript NM_003002.4 (MANE Select); coding-DNA positions 278 to 280, 3 bases deleted (ATT; older notation c.278_280delATT).
Protein change: p.Tyr93del; deletes tyrosine 93.
Molecular consequence: inframe deletion. On other transcripts: non-coding transcript variant (1), intron variant (1).
Genome position (GRCh38, 1-based): chr11:112,088,975-112,088,977, ATT deleted; deleting any 3 consecutive bases within chr11:112,088,974-112,088,977 gives the same sequence; the c. name uses the placement nearest the transcript's 3' end. VCF-style (leftmost placement, unchanged base first): chr11-112088973-CTAT-C. GRCh37 (hg19) VCF-style: chr11-111959697-CTAT-C.
Other names: Y93delY; c.161_163del, p.Tyr54del (NM_001276504.2); c.278_280del, p.Tyr93del (NM_001276506.2); c.169+1002_169+1004del (NM_001276503.2); short protein forms Y93del, Y54del.
Identifiers: ClinVar variation 6905 (VCV000006905.6), dbSNP rs121908983, ClinGen allele CA016628.